The following is an entry in ClinVar:

NM_005633.4(SOS1):c.1333A>G (p.Ile445Val)

Gene: SOS1 (SOS Ras/Rac guanine nucleotide exchange factor 1; minus strand). Cytogenetic location: 2p22.1.
Variant type: single nucleotide variant.
Coding change: c.1333A>G on transcript NM_005633.4 (MANE Select); coding-DNA position 1333, A replaced by G.
Protein change: p.Ile445Val; replaces isoleucine 445 with valine.
Molecular consequence: missense variant.
Genome position (GRCh38, 1-based): chr2:39,023,095, T>C on the plus strand (A>G on the coding strand, the complement: SOS1 is on the minus strand). VCF-style: chr2-39023095-T-C. GRCh37 (hg19) VCF-style: chr2-39250236-T-C.
Other names: c.1312A>G, p.Ile438Val (NM_001382394.1); c.1333A>G, p.Ile445Val (NM_001382395.1); short protein forms I438V, I445V.
Identifiers: ClinVar variation 1307431 (VCV001307431.10), dbSNP rs2124537533, ClinGen allele CA346366407.

ClinVar aggregate classification (germline): Uncertain significance. Review status: criteria provided, multiple submitters, no conflicts (2 of 4 stars). 4 submissions from 3 submitters: Uncertain significance (4). Last evaluated 2021-04-19.

Conditions:
RASopathy. Also called: rasopathies; Noonan spectrum disorder. Identifiers: Orphanet 536391, MedGen C5555857, MONDO:0021060.
Noonan syndrome 4 (NS4). Also called: SOS1-Related Noonan Syndrome; NOONAN SYNDROME WITH PIGMENTED VILLONODULAR SYNOVITIS. Identifiers: Orphanet 648, MedGen C1853120, MONDO:0012547, OMIM 610733.
Fibromatosis, gingival, 1 (GINGF1). Identifiers: Orphanet 2024, MedGen C4551558, MONDO:0007609, OMIM 135300.

Submissions (4):

Labcorp Genetics (formerly Invitae), Labcorp
Classification: Uncertain significance for RASopathy. Last evaluated: 2021-04-19. Review status: criteria provided, single submitter. Criteria: Invitae Variant Classification Sherloc (09022015). Collection method: clinical testing. Allele origin: germline.
Comment: In summary, the available evidence is currently insufficient to determine the role of this variant in disease. Therefore, it has been classified as a Variant of Uncertain Significance. Algorithms developed to predict the effect of missense changes on protein structure and function (SIFT, PolyPhen-2, Align-GVGD) all suggest that this variant is likely to be tolerated, but these predictions have not been confirmed by published functional studies and their clinical significance is uncertain. This variant has not been reported in the literature in individuals with SOS1-related conditions. This variant is not present in population databases (ExAC no frequency). This sequence change replaces isoleucine with valine at codon 445 of the SOS1 protein (p.Ile445Val). The isoleucine residue is moderately conserved and there is a small physicochemical difference between isoleucine and valine.

GeneDx
Classification: Uncertain significance. Last evaluated: 2019-07-24. Review status: criteria provided, single submitter. Criteria: GeneDx Variant Classification Process June 2021. Collection method: clinical testing. Allele origin: germline. Affected: yes.
Comment: Not observed in large population cohorts (Lek et al., 2016); The majority of missense variants in this gene are considered pathogenic (Stenson et al., 2014); In silico analysis, which includes protein predictors and evolutionary conservation, supports that this variant does not alter protein structure/function; Has not been previously published as pathogenic or benign to our knowledge

Genome-Nilou Lab
Classification: Uncertain significance for Noonan syndrome 4. Review status: criteria provided, single submitter. Criteria: ACMG Guidelines, 2015. Collection method: clinical testing. Allele origin: germline.

Genome-Nilou Lab
Classification: Uncertain significance for Fibromatosis, gingival, 1. Review status: criteria provided, single submitter. Criteria: ACMG Guidelines, 2015. Collection method: clinical testing. Allele origin: germline.